The following is an entry in ClinVar:

ClinVar aggregate classification (germline): Uncertain significance (1 of 4 stars; one submission).

Conditions:
Diffuse cerebral and cerebellar atrophy - intractable seizures - progressive microcephaly syndrome. Also called: Microcephaly, progressive, with seizures and cerebral and cerebellar atrophy. Identifiers: Orphanet 404437, MedGen C4014239, MONDO:0014335, OMIM 615760.

Allele frequency attached by ClinVar (database versions not stated): gnomAD 0.00001; gnomAD exomes 0.00001; TOPMed 0.00002.

Submission:

Labcorp Genetics (formerly Invitae), Labcorp
Classification: Uncertain significance for Diffuse cerebral and cerebellar atrophy - intractable seizures - progressive microcephaly syndrome. Last evaluated: 2021-08-24. Review status: criteria provided, single submitter. Criteria: Invitae Variant Classification Sherloc (09022015). Collection method: clinical testing. Allele origin: germline.
Comment: This sequence change replaces valine with isoleucine at codon 503 of the QARS protein (p.Val503Ile). The valine residue is highly conserved and there is a small physicochemical difference between valine and isoleucine. This variant is not present in population databases (ExAC no frequency). This variant has not been reported in the literature in individuals affected with QARS-related conditions. Algorithms developed to predict the effect of missense changes on protein structure and function (SIFT, PolyPhen-2, Align-GVGD) all suggest that this variant is likely to be tolerated. In summary, the available evidence is currently insufficient to determine the role of this variant in disease. Therefore, it has been classified as a Variant of Uncertain Significance.

NM_005051.3(QARS1):c.1507G>A (p.Val503Ile)

Gene: QARS1 (glutaminyl-tRNA synthetase 1; minus strand). Cytogenetic location: 3p21.31.
Variant type: single nucleotide variant.
Coding change: c.1507G>A on transcript NM_005051.3 (MANE Select); coding-DNA position 1507, G replaced by A.
Protein change: p.Val503Ile; replaces valine 503 with isoleucine.
Molecular consequence: missense variant. On other transcripts: non-coding transcript variant (1).
Genome position (GRCh38, 1-based): chr3:49,099,529, C>T on the plus strand (G>A on the coding strand, the complement: QARS1 is on the minus strand). VCF-style: chr3-49099529-C-T. GRCh37 (hg19) VCF-style: chr3-49136962-C-T.
Other names: c.1474G>A, p.Val492Ile (NM_001272073.2); short protein forms V492I, V503I.
Identifiers: ClinVar variation 1020032 (VCV001020032.2), dbSNP rs1287967203, ClinGen allele CA352705747.